The following is an entry in ClinVar:

NM_004208.4(AIFM1):c.968-14T>A

Genes: AIFM1 (apoptosis inducing factor mitochondria associated 1; minus strand), RAB33A (RAB33A, member RAS oncogene family; plus strand). Cytogenetic location: Xq26.1.
Variant type: single nucleotide variant.
Coding change: c.968-14T>A on transcript NM_004208.4 (MANE Select); 14 bases into the intron before coding-DNA position 968, T replaced by A.
Molecular consequence: intron variant. On other transcripts: 5 prime UTR variant (1).
Genome position (GRCh38, 1-based): chrX:130,137,199, A>T on the plus strand (T>A on the coding strand, the complement: AIFM1 is on the minus strand). VCF-style: chrX-130137199-A-T. GRCh37 (hg19) VCF-style: chrX-129271174-A-T.
Other names: c.-64T>A (NM_001130846.4); c.956-14T>A (NM_145812.3); c.*196-14T>A (NM_001130847.4).
Identifiers: ClinVar variation 912875 (VCV000912875.9), dbSNP rs201991839, ClinGen allele CA10515355.

ClinVar aggregate classification (germline): Benign/Likely benign. Review status: criteria provided, multiple submitters, no conflicts (2 of 4 stars). 3 submissions from 3 submitters: Benign (2); Likely benign (1). Last evaluated 2025-11-12.

Conditions:
Charcot-Marie-Tooth Neuropathy X. Identifiers: MedGen CN118851.
Combined oxidative phosphorylation deficiency. Identifiers: MedGen C4540031, MONDO:0000732.
Severe X-linked mitochondrial encephalomyopathy. Also called: ENCEPHALOMYOPATHY, MITOCHONDRIAL, X-LINKED. Identifiers: Orphanet 238329, MedGen C3151753, MONDO:0010437, OMIM 300816.

Allele frequency attached by ClinVar (database versions not stated): gnomAD 0.00003; gnomAD exomes 0.00003 and 0.00008; TOPMed 0.00004; ExAC 0.00011; 1000 Genomes Project 0.00053; 1000 Genomes Project 30x 0.00062.
gnomAD v4.1: 30 of 1,209,106 alleles (0.0025%); highest among the groups gnomAD compares: East Asian, 0.089%; 1 homozygote.

Submissions (3):

Labcorp Genetics (formerly Invitae), Labcorp
Classification: Benign for Charcot-Marie-Tooth Neuropathy X; Combined oxidative phosphorylation deficiency. Last evaluated: 2025-11-12. Review status: criteria provided, single submitter. Criteria: Invitae Variant Classification Sherloc (09022015). Collection method: clinical testing. Allele origin: germline.

Blueprint Genetics
Classification: Likely benign. Last evaluated: 2024-07-23. Review status: criteria provided, single submitter. Criteria: ACMG Guidelines, 2015. Collection method: clinical testing. Allele origin: germline.

Illumina Laboratory Services, Illumina
Classification: Benign for Severe X-linked mitochondrial encephalomyopathy. Last evaluated: 2018-01-13. Review status: criteria provided, single submitter. Criteria: ICSL Variant Classification Criteria 13 December 2019. Collection method: clinical testing. Allele origin: germline.
Comment: This variant was observed in the ICSL laboratory as part of a predisposition screen in an ostensibly healthy population. It had not been previously curated by ICSL or reported in the Human Gene Mutation Database (HGMD: prior to June 1st, 2018), and was therefore a candidate for classification through an automated scoring system. Utilizing variant allele frequency, disease prevalence and penetrance estimates, and inheritance mode, an automated score was calculated to assess if this variant is too frequent to cause the disease. Based on the score and internal cut-off values, a variant classified as benign is not then subjected to further curation. The score for this variant resulted in a classification of benign for this disease.